The following is an entry in ClinVar:

ClinVar aggregate classification (germline): Uncertain significance (1 of 4 stars; one submission).

gnomAD v4.1: 7 of 1,614,114 alleles (0.00043%); highest among the groups gnomAD compares: Non-Finnish European, 0.00059%; no homozygotes.

Submission:

Labcorp Genetics (formerly Invitae), Labcorp
Classification: Uncertain significance. Last evaluated: 2024-09-16. Review status: criteria provided, single submitter. Criteria: Invitae Variant Classification Sherloc (09022015). Collection method: clinical testing. Allele origin: germline.
Comment: This sequence change replaces asparagine, which is neutral and polar, with aspartic acid, which is acidic and polar, at codon 572 of the MCPH1 protein (p.Asn572Asp). This variant is not present in population databases (gnomAD no frequency). This variant has not been reported in the literature in individuals affected with MCPH1-related conditions. Invitae Evidence Modeling of protein sequence and biophysical properties (such as structural, functional, and spatial information, amino acid conservation, physicochemical variation, residue mobility, and thermodynamic stability) indicates that this missense variant is not expected to disrupt MCPH1 protein function with a negative predictive value of 80%. In summary, the available evidence is currently insufficient to determine the role of this variant in disease. Therefore, it has been classified as a Variant of Uncertain Significance.

NM_024596.5(MCPH1):c.1714A>G (p.Asn572Asp)

Gene: MCPH1 (microcephalin 1; plus strand). Cytogenetic location: 8p23.1.
Variant type: single nucleotide variant.
Coding change: c.1714A>G on transcript NM_024596.5 (MANE Select); coding-DNA position 1714, A replaced by G.
Protein change: p.Asn572Asp; replaces asparagine 572 with aspartic acid.
Molecular consequence: missense variant. On other transcripts: non-coding transcript variant (1).
Genome position (GRCh38, 1-based): chr8:6,445,436, A>G. VCF-style: chr8-6445436-A-G. GRCh37 (hg19) VCF-style: chr8-6302957-A-G.
Other names: c.1714A>G, p.Asn572Asp (NM_001172574.2, NM_001322042.2, NM_001363979.1 and 3 more transcripts); c.1570A>G, p.Asn524Asp (NM_001172575.2); c.1708A>G, p.Asn570Asp (NM_001322043.2); c.1612A>G, p.Asn538Asp (NM_001322045.2); short protein forms N538D, N524D, N572D, N570D.
Identifiers: ClinVar variation 3666928 (VCV003666928.2).